The following is an entry in ClinVar:

NM_005343.4(HRAS):c.197_217dup (p.Met72_Arg73insProMetArgAspGlnTyrMet)

Genes: HRAS (HRas proto-oncogene, GTPase; minus strand), LRRC56 (leucine rich repeat containing 56; plus strand). Cytogenetic location: 11p15.5.
Variant type: Duplication.
Coding change: c.197_217dup on transcript NM_005343.4 (MANE Select); coding-DNA positions 197 to 217, 21 bases duplicated (CCATGCGGGACCAGTACATGC).
Protein change: p.Met72_Arg73insProMetArgAspGlnTyrMet.
Molecular consequence: inframe insertion. On other transcripts: 5 prime UTR variant (1).
Genome position (GRCh38, 1-based): chr11:533,839-533,859, GCATGTACTGGTCCCGCATGG duplicated on the plus strand (CCATGCGGGACCAGTACATGC on the coding strand, the reverse complement: HRAS is on the minus strand). VCF-style (leftmost placement, unchanged base first): chr11-533838-C-CGCATGTACTGGTCCCGCATGG. GRCh37 (hg19) VCF-style: chr11-533838-C-CGCATGTACTGGTCCCGCATGG.
Other names: c.197_217dup, p.Met72_Arg73insProMetArgAspGlnTyrMet (NM_001130442.3, NM_176795.5); c.-123_-103dup (NM_001318054.2); c.197_217dup (NM_005343.3).
Identifiers: ClinVar variation 3340437 (VCV003340437.2).
Genomic context (GRCh38, chr11:533,838, plus strand): 5'-ATGTCCTCAAAAGACTTGGTGTTGTTGATGGCAAACACACACAGGAAGCCCTCCCCGGTG[C>CGCATGTACTGGTCCCGCATGG]GCATGTACTGGTCCCGCATGGCGCTGTACTCCTCCTGGCCGGCGGTATCCAGGATGTCCA-3'

ClinVar aggregate classification (germline): Pathogenic/Likely pathogenic. Review status: criteria provided, multiple submitters, no conflicts (2 of 4 stars). 2 submissions from 2 submitters: Pathogenic (1); Likely pathogenic (1). Last evaluated 2024-11-22.

Conditions:
HRAS-related disorder. Also called: HRAS-related condition.
Vascular malformation. Also called: Vascular malformations. Identifiers: MedGen C0158570, MONDO:0024291.

Submissions (2):

Clinical Genomics Laboratory, Washington University in St. Louis
Classification: Likely pathogenic for Vascular malformation. Last evaluated: 2024-11-22. Review status: criteria provided, single submitter. Criteria: Leon-Quintero et al. (Clin Genet. 2025). Collection method: clinical testing. Allele origin: somatic. Affected: yes.
Comment: An HRAS c.197_217dup (p.Met72_Arg73insProMetArgAspGlnTyrMet) variant was identified at an allelic fraction consistent with somatic origin. This variant, to our knowledge, has not been reported in the medical literature but several very similar indels in this region in the RAS genes have been reported in individuals with vascular malformations (Hou YC et al., PMID: 36571464; Schmidt VF et al., PMID: 38563363; Eijkelenboom A et al., PMID: 31160609; Hong T et al., PMID: 30544177; Konczyk DJ et al., PMID: 31637524). It is absent from the general population (gnomAD v.4.1.0), indicating it is not a common variant. The HRAS c.197_217dup (p.Met72_Arg73insProMetArgAspGlnTyrMet) variant resides within a region, the switch II domain, of HRAS that is defined as a region critical for binding regulator and effector proteins (Vetter IR et al., PMID: 11701921). This variant is predicted to cause a change in the length of the protein due to an in-frame insertion of seven amino acids in a non-repeat region. Functional analyses of similar in-frame insertions and duplications in the HRAS switch II domain have demonstrated that these variants lead to increased RAS signaling (Eijkelenboom A et al., PMID: 31160609).Based on available information and an internally developed protocol informed by the ACMG/AMP guidelines for variant interpretation and gene-specific practices from the ClinGen Criteria Specification Registry (Leon-Quintero FZ et al., PMID: 39434542), the HRAS c.197_217dup (p.Met72_Arg73insProMetArgAspGlnTyrMet) variant is classified as likely pathogenic.

Seattle Children's Hospital Molecular Genetics Laboratory, Seattle Children's Hospital
Classification: Pathogenic for HRAS-related disorder. Review status: criteria provided, single submitter. Criteria: ACMG Guidelines, 2015. Collection method: clinical testing. Allele origin: somatic. Affected: yes.
Comment: While this exact variant has not been observed in the medical literature, similar variants have been reported in patients with disorders of somatic mosaicism (PMID: 36571464). The duplication of 21 base pairs causes an in-frame insertion of seven amino acids in the HRAS switch II domain, a region critical for binding regulator and effector proteins (PMID: 11701921). While this insertion event appears to be novel, multiple in-frame insertions/deletions (indels) within the switch II domain have been reported in individuals with vascular malformations, vascular malformations/overgrowth syndromes (VOGM), and RASopathies (PMID: 23335589, PMID: 31160609, PMID: 31637524, PMID: 36571464). In addition, functional analyses of similar in-frame insertions and duplications in the HRAS switch II domain have demonstrated that these variants lead to increased RAS signaling (PMID: 23335589, PMID: 31160609).